The following is an entry in ClinVar:

NM_000426.4(LAMA2):c.5779del (p.Ala1927fs)

Gene: LAMA2 (laminin subunit alpha 2; plus strand). Cytogenetic location: 6q22.33.
Variant type: Deletion.
Coding change: c.5779del on transcript NM_000426.4 (MANE Select); coding-DNA position 5779, one base deleted (G; older notation c.5779delG).
Protein change: p.Ala1927fs; shifts the reading frame from alanine 1927.
Molecular consequence: frameshift variant.
Genome position (GRCh38, 1-based): chr6:129,403,873, G deleted. VCF-style (leftmost placement, unchanged base first): chr6-129403872-AG-A. GRCh37 (hg19) VCF-style: chr6-129725017-AG-A.
Other names: c.5779del, p.Ala1927fs (NM_001079823.2); short protein forms A1927fs.
Identifiers: ClinVar variation 4733316 (VCV004733316.1).

ClinVar aggregate classification (germline): Pathogenic (1 of 4 stars; one submission).

Conditions:
LAMA2-related muscular dystrophy (LAMA2-RD). Also called: Laminin alpha 2-related dystrophy. Identifiers: MedGen C5679788, MONDO:0100228.

Submission:

Labcorp Genetics (formerly Invitae), Labcorp
Classification: Pathogenic for LAMA2-related muscular dystrophy. Last evaluated: 2025-12-15. Review status: criteria provided, single submitter. Criteria: Invitae Variant Classification Sherloc (09022015). Collection method: clinical testing. Allele origin: germline.
Comment: This sequence change creates a premature translational stop signal (p.Ala1927Leufs*37) in the LAMA2 gene. It is expected to result in an absent or disrupted protein product. Loss-of-function variants in LAMA2 are known to be pathogenic (PMID: 18700894, 32904964). This variant is not present in population databases (gnomAD no frequency). This variant has not been reported in the literature in individuals affected with LAMA2-related conditions. For these reasons, this variant has been classified as Pathogenic.

Literature cited by the submitters: PubMed 18700894; PubMed 32904964.